The following is an entry in ClinVar:

NM_004991.4(MECOM):c.1963T>A (p.Ser655Thr)

Gene: MECOM (MDS1 and EVI1 complex locus; minus strand). Cytogenetic location: 3q26.2.
Variant type: single nucleotide variant.
Coding change: c.1963T>A on transcript NM_004991.4 (MANE Select); coding-DNA position 1963, T replaced by A.
Protein change: p.Ser655Thr; replaces serine 655 with threonine.
Molecular consequence: missense variant. On other transcripts: intron variant (2).
Genome position (GRCh38, 1-based): chr3:169,115,909, A>T on the plus strand (T>A on the coding strand, the complement: MECOM is on the minus strand). VCF-style: chr3-169115909-A-T. GRCh37 (hg19) VCF-style: chr3-168833697-A-T.
Other names: c.1594T>A, p.Ser532Thr (NM_001105077.4); c.1399T>A, p.Ser467Thr (NM_001105078.4, NM_001164000.2, NM_001205194.2 and 4 more transcripts); c.1402T>A, p.Ser468Thr (NM_001163999.2, NM_001366467.2, NM_001366468.2 and 1 more transcripts); c.1963T>A, p.Ser655Thr (NM_001366466.2); c.1133-142T>A (NM_001366473.2); c.569-142T>A (NM_001366474.2); short protein forms S468T, S532T, S655T, S467T.
Identifiers: ClinVar variation 3871813 (VCV003871813.1).

ClinVar aggregate classification (germline): Uncertain significance (1 of 4 stars; one submission).

Conditions:
Inborn genetic diseases. Identifiers: MedGen C0950123, MeSH D030342.

gnomAD v4.1: 40 of 1,613,960 alleles (0.0025%); highest among the groups gnomAD compares: Non-Finnish European, 0.0034%; no homozygotes.

Submission:

Ambry Genetics
Classification: Uncertain significance for Inborn genetic diseases. Last evaluated: 2025-02-08. Review status: criteria provided, single submitter. Criteria: Ambry Variant Classification Scheme 2023. Collection method: clinical testing. Allele origin: germline.
Comment: The p.S655T variant (also known as c.1963T>A), located in coding exon 8 of the MECOM gene, results from a T to A substitution at nucleotide position 1963. The serine at codon 655 is replaced by threonine, an amino acid with similar properties. This amino acid position is conserved. In addition, this alteration is predicted to be tolerated by in silico analysis. Based on the available evidence, the clinical significance of this variant remains unclear.